The following is an entry in ClinVar:

NM_017946.4(FKBP14):c.250G>A (p.Ala84Thr)

Genes: FKBP14 (FKBP prolyl isomerase 14; minus strand), FKBP14-AS1 (FKBP14 antisense RNA 1; plus strand). Cytogenetic location: 7p14.3.
Variant type: single nucleotide variant.
Coding change: c.250G>A on transcript NM_017946.4 (MANE Select); coding-DNA position 250, G replaced by A.
Protein change: p.Ala84Thr; replaces alanine 84 with threonine.
Molecular consequence: missense variant. On other transcripts: non-coding transcript variant (1).
Genome position (GRCh38, 1-based): chr7:30,022,764, C>T on the plus strand (G>A on the coding strand, the complement: FKBP14 is on the minus strand). VCF-style: chr7-30022764-C-T. GRCh37 (hg19) VCF-style: chr7-30062380-C-T.
Other names: short protein forms A84T.
Identifiers: ClinVar variation 859668 (VCV000859668.7), dbSNP rs935783818, ClinGen allele CA156003113.

ClinVar aggregate classification (germline): Uncertain significance (1 of 4 stars; one submission).

Conditions:
Ehlers-Danlos syndrome, kyphoscoliotic type, 2. Also called: Ehlers-Danlos syndrome, kyphoscoliotic and deafness type; Ehlers-Danlos syndrome with progressive kyphoscoliosis, myopathy, and hearing loss; FKBP14-Kyphoscoliotic Ehlers-Danlos Syndrome. Identifiers: Orphanet 300179, MedGen C3281160, MONDO:0013800, OMIM 614557.

Allele frequency attached by ClinVar (database versions not stated): TOPMed below 0.00001.
gnomAD v4.1: 1 of 1,614,148 alleles (0.000062%); highest among the groups gnomAD compares: Non-Finnish European, 0.000085%; no homozygotes.

Submission:

Labcorp Genetics (formerly Invitae), Labcorp
Classification: Uncertain significance for Ehlers-Danlos syndrome, kyphoscoliotic type, 2. Last evaluated: 2021-08-28. Review status: criteria provided, single submitter. Criteria: Invitae Variant Classification Sherloc (09022015). Collection method: clinical testing. Allele origin: germline.
Comment: This sequence change replaces alanine with threonine at codon 84 of the FKBP14 protein (p.Ala84Thr). The alanine residue is weakly conserved and there is a small physicochemical difference between alanine and threonine. This variant is not present in population databases (ExAC no frequency). This variant has not been reported in the literature in individuals affected with FKBP14-related conditions. Algorithms developed to predict the effect of missense changes on protein structure and function (SIFT, PolyPhen-2, Align-GVGD) all suggest that this variant is likely to be tolerated. In summary, the available evidence is currently insufficient to determine the role of this variant in disease. Therefore, it has been classified as a Variant of Uncertain Significance.